The following is an entry in ClinVar:

ClinVar aggregate classification (germline): Uncertain significance (1 of 4 stars; one submission).

Conditions:
Cognitive impairment - coarse facies - heart defects - obesity - pulmonary involvement - short stature - skeletal dysplasia syndrome. Also called: COGNITIVE IMPAIRMENT, COARSE FACIES, HEART DEFECTS, OBESITY, PULMONARY INVOLVEMENT, SHORT STATURE, AND SKELETAL DYSPLASIA; Chops syndrome; AFF4-Related CHOPS Syndrome. Identifiers: Orphanet 444077, MedGen C4085597, MONDO:0014609, OMIM 616368.

Allele frequency attached by ClinVar (database versions not stated): gnomAD 0.00001.
gnomAD v4.1: 5 of 1,613,904 alleles (0.00031%); highest among the groups gnomAD compares: African/African-American, 0.0013%; no homozygotes.

Submission:

Labcorp Genetics (formerly Invitae), Labcorp
Classification: Uncertain significance for Cognitive impairment - coarse facies - heart defects - obesity - pulmonary involvement - short stature - skeletal dysplasia syndrome. Last evaluated: 2022-08-16. Review status: criteria provided, single submitter. Criteria: Invitae Variant Classification Sherloc (09022015). Collection method: clinical testing. Allele origin: germline.
Comment: In summary, the available evidence is currently insufficient to determine the role of this variant in disease. Therefore, it has been classified as a Variant of Uncertain Significance. Algorithms developed to predict the effect of missense changes on protein structure and function are either unavailable or do not agree on the potential impact of this missense change (SIFT: "Tolerated"; PolyPhen-2: "Probably Damaging"; Align-GVGD: "Class C0"). This variant has not been reported in the literature in individuals affected with AFF4-related conditions. The frequency data for this variant in the population databases is considered unreliable, as metrics indicate poor data quality at this position in the gnomAD database. This sequence change replaces glutamic acid, which is acidic and polar, with lysine, which is basic and polar, at codon 463 of the AFF4 protein (p.Glu463Lys).

NM_014423.4(AFF4):c.1387G>A (p.Glu463Lys)

Gene: AFF4 (ALF transcription elongation factor 4; minus strand). Cytogenetic location: 5q31.1.
Variant type: single nucleotide variant.
Coding change: c.1387G>A on transcript NM_014423.4 (MANE Select); coding-DNA position 1387, G replaced by A.
Protein change: p.Glu463Lys; replaces glutamic acid 463 with lysine.
Molecular consequence: missense variant.
Genome position (GRCh38, 1-based): chr5:132,898,232, C>T on the plus strand (G>A on the coding strand, the complement: AFF4 is on the minus strand). VCF-style: chr5-132898232-C-T. GRCh37 (hg19) VCF-style: chr5-132233924-C-T.
Other names: short protein forms E463K.
Identifiers: ClinVar variation 2143919 (VCV002143919.4), dbSNP rs746392839, ClinGen allele CA360941052.